The following is an entry in ClinVar:

ClinVar aggregate classification (germline): Pathogenic/Likely pathogenic. Review status: criteria provided, multiple submitters, no conflicts (2 of 4 stars). 5 submissions from 5 submitters: Pathogenic (1); Likely pathogenic (4). Last evaluated 2025-01-11.

Conditions:
TYR-related disorder. Also called: TYR-related condition.
Oculocutaneous albinism. Identifiers: Orphanet 55, MedGen C0078918, MONDO:0018910.
SKIN/HAIR/EYE PIGMENTATION 3, LIGHT/DARK SKIN (SHEP3). Also called: SKIN/HAIR/EYE PIGMENTATION, VARIATION IN, 3; SKIN/HAIR/EYE PIGMENTATION 3, BLUE/GREEN EYE COLOR; SKIN/HAIR/EYE PIGMENTATION 3, FRECKLING; EYE COLOR 1; EYE COLOR, GREEN/BLUE. Identifiers: MedGen C2677190, OMIM 601800.

Allele frequency attached by ClinVar (database versions not stated): gnomAD exomes below 0.00001.
gnomAD v4.1: 7 of 1,614,226 alleles (0.00043%); highest among the groups gnomAD compares: Non-Finnish European, 0.00059%; no homozygotes.

Submissions (5):

Labcorp Genetics (formerly Invitae), Labcorp
Classification: Pathogenic. Last evaluated: 2025-01-11. Review status: criteria provided, single submitter. Criteria: Invitae Variant Classification Sherloc (09022015). Collection method: clinical testing. Allele origin: germline.
Comment: This sequence change replaces cysteine, which is neutral and slightly polar, with arginine, which is basic and polar, at codon 103 of the TYR protein (p.Cys103Arg). This variant is present in population databases (no rsID available, gnomAD 0.003%). This missense change has been observed in individual(s) with culocutaneous albinism (PMID: 29345414, 30341532). ClinVar contains an entry for this variant (Variation ID: 444269). Invitae Evidence Modeling of protein sequence and biophysical properties (such as structural, functional, and spatial information, amino acid conservation, physicochemical variation, residue mobility, and thermodynamic stability) indicates that this missense variant is expected to disrupt TYR protein function with a positive predictive value of 95%. This variant disrupts the p.Cys103 amino acid residue in TYR. Other variant(s) that disrupt this residue have been determined to be pathogenic (PMID: 29345414, 30996339). This suggests that this residue is clinically significant, and that variants that disrupt this residue are likely to be disease-causing. For these reasons, this variant has been classified as Pathogenic.

Baylor Genetics
Classification: Likely pathogenic for SKIN/HAIR/EYE PIGMENTATION 3, LIGHT/DARK SKIN. Last evaluated: 2024-01-16. Review status: criteria provided, single submitter. Criteria: ACMG Guidelines, 2015. Collection method: clinical testing. Allele origin: unknown.

Women's Health and Genetics/Laboratory Corporation of America, LabCorp
Classification: Likely pathogenic for Oculocutaneous albinism. Last evaluated: 2023-06-20. Review status: criteria provided, single submitter. Criteria: LabCorp Variant Classification Summary - May 2015. Collection method: clinical testing. Allele origin: germline.
Comment: Variant summary: TYR c.307T>C (p.Cys103Arg) results in a non-conservative amino acid change in the encoded protein sequence. Five of five in-silico tools predict a damaging effect of the variant on protein function. The variant allele was found at a frequency of 4e-06 in 251290 control chromosomes (gnomAD). c.307T>C has been reported in the literature in individuals affected with Oculocutaneous Albinism (e.g., Wang_2018, Lasseaux_2018). These data indicate that the variant is likely to be associated with disease. To our knowledge, no experimental evidence demonstrating an impact on protein function has been reported. At least one other variant affecting the same amino acid residue (c.308G>A, p.Cys103Tyr) has been reported in multiple affected patients/families and has been determined to be on the pathogenic spectrum (PMIDs: 29345414, 30996339, 32552135). The following publications have been ascertained in the context of this evaluation (PMID: 29345414, 30341532). One submitter has cited clinical-significance assessments for this variant to ClinVar after 2014 and has classified the variant as likely pathogenic. Based on the evidence outlined above, the variant was classified as likely pathogenic.

Blueprint Genetics
Classification: Likely pathogenic for TYR-related disorders. Last evaluated: 2019-11-12. Review status: criteria provided, single submitter. Criteria: ACMG Guidelines, 2015. Collection method: clinical testing. Allele origin: germline. Affected: yes. Observed: 1 variant allele.

CeGaT Center for Human Genetics Tuebingen
Classification: Likely pathogenic. Last evaluated: 2017-04-30. Review status: criteria provided, single submitter. Criteria: Praxis fuer Humangenetik Tuebingen - Variant Classification Criteria. Collection method: clinical testing. Allele origin: germline. Affected: yes. Observed: 3 variant alleles.

Literature cited by the submitters: PubMed 29345414 (cited by Labcorp Genetics (formerly Invitae), Labcorp and Women's Health and Genetics/Laboratory Corporation of America, LabCorp); PubMed 30341532 (cited by Labcorp Genetics (formerly Invitae), Labcorp and Women's Health and Genetics/Laboratory Corporation of America, LabCorp); PubMed 30996339 (cited by Labcorp Genetics (formerly Invitae), Labcorp).

NM_000372.5(TYR):c.307T>C (p.Cys103Arg)

Gene: TYR (tyrosinase; plus strand). Cytogenetic location: 11q14.3.
Variant type: single nucleotide variant.
Coding change: c.307T>C on transcript NM_000372.5 (MANE Select); coding-DNA position 307, T replaced by C.
Protein change: p.Cys103Arg; replaces cysteine 103 with arginine.
Molecular consequence: missense variant.
Genome position (GRCh38, 1-based): chr11:89,178,260, T>C. VCF-style: chr11-89178260-T-C. GRCh37 (hg19) VCF-style: chr11-88911428-T-C.
Other names: c.307T>C (NM_000372.4); short protein forms C103R.
Identifiers: ClinVar variation 444269 (VCV000444269.9), dbSNP rs1482829698, ClinGen allele CA382034116.
Genomic context (GRCh38, chr11:89,178,260, plus strand): 5'-GTCTTTTATAATAGGACCTGCCAGTGCTCTGGCAACTTCATGGGATTCAACTGTGGAAAC[T>C]GCAAGTTTGGCTTTTGGGGACCAAACTGCACAGAGAGACGACTCTTGGTGAGAAGAAACA-3'
Protein context (NP_000363.1, residues 93-113): GNFMGFNCGN[Cys103Arg]KFGFWGPNCT